The following is an entry in ClinVar:

ClinVar aggregate classification (germline): Pathogenic. Review status: criteria provided, multiple submitters, no conflicts (2 of 4 stars). 2 submissions from 2 submitters: Pathogenic (2). Last evaluated 2025-10-26.

Conditions:
Propionic acidemia (PROP). Also called: GLYCINEMIA, KETOTIC; HYPERGLYCINEMIA WITH KETOACIDOSIS AND LEUKOPENIA; KETOTIC HYPERGLYCINEMIA. Identifiers: Orphanet 35, MedGen C0268579, MONDO:0011628, OMIM 606054, HP:0003571.

Submissions (2):

Labcorp Genetics (formerly Invitae), Labcorp
Classification: Pathogenic for Propionic acidemia. Last evaluated: 2025-10-26. Review status: criteria provided, single submitter. Criteria: Invitae Variant Classification Sherloc (09022015). Collection method: clinical testing. Allele origin: germline.
Comment: This sequence change creates a premature translational stop signal (p.Tyr455Trpfs*3) in the PCCA gene. It is expected to result in an absent or disrupted protein product. Loss-of-function variants in PCCA are known to be pathogenic (PMID: 15464417). This variant is not present in population databases (gnomAD no frequency). This premature translational stop signal has been observed in individual(s) with propionic acidemia (PMID: 30274917). For these reasons, this variant has been classified as Pathogenic.

Baylor Genetics
Classification: Pathogenic for Propionic acidemia. Last evaluated: 2024-03-29. Review status: criteria provided, single submitter. Criteria: ACMG Guidelines, 2015. Collection method: clinical testing. Allele origin: unknown.

Literature cited by the submitters: PubMed 15464417 (cited by Labcorp Genetics (formerly Invitae), Labcorp); PubMed 30274917 (cited by Labcorp Genetics (formerly Invitae), Labcorp).

NM_000282.4(PCCA):c.1364_1365del (p.Tyr455fs)

Gene: PCCA (propionyl-CoA carboxylase subunit alpha; plus strand). Cytogenetic location: 13q32.3.
Variant type: Microsatellite.
Coding change: c.1364_1365del on transcript NM_000282.4 (MANE Select); coding-DNA positions 1364 to 1365, 2 bases deleted (AT; older notation c.1364_1365delAT).
Protein change: p.Tyr455fs; shifts the reading frame from tyrosine 455.
Molecular consequence: frameshift variant. On other transcripts: non-coding transcript variant (5).
Genome position (GRCh38, 1-based): chr13:100,309,843-100,309,844, AT deleted; deleting any 2 consecutive bases within chr13:100,309,841-100,309,844 gives the same sequence; the c. name uses the placement nearest the transcript's 3' end. VCF-style (leftmost placement, unchanged base first): chr13-100309840-CAT-C. GRCh37 (hg19) VCF-style: chr13-100962094-CAT-C.
Other names: c.1286_1287del, p.Tyr429fs (NM_001352607.2, NM_001127692.3); c.1142_1143del, p.Tyr381fs (NM_001352608.2); c.1364_1365del, p.Tyr455fs (NM_001352609.2, NM_001178004.2, NM_001352605.2); c.419_420del, p.Tyr140fs (NM_001352610.2, NM_001352611.2); c.275_276del, p.Tyr92fs (NM_001352612.2); c.1220_1221del, p.Tyr407fs (NM_001352606.2); short protein forms Y381fs, Y429fs, Y92fs, Y140fs, Y407fs, Y455fs.
Identifiers: ClinVar variation 2910343 (VCV002910343.4), dbSNP rs2066765994, ClinGen allele CA484746623.